The following is an entry in ClinVar:

ClinVar aggregate classification (germline): Uncertain significance (1 of 4 stars; one submission).

Submission:

Labcorp Genetics (formerly Invitae), Labcorp
Classification: Uncertain significance. Last evaluated: 2025-06-17. Review status: criteria provided, single submitter. Criteria: Invitae Variant Classification Sherloc (09022015). Collection method: clinical testing. Allele origin: germline.
Comment: This sequence change falls in intron 10 of the IFT88 gene. It does not directly change the encoded amino acid sequence of the IFT88 protein. It affects a nucleotide within the consensus splice site. This variant is not present in population databases (gnomAD no frequency). This variant has not been reported in the literature in individuals affected with IFT88-related conditions. ClinVar contains an entry for this variant (Variation ID: 2018531). Variants that disrupt the consensus splice site are a relatively common cause of aberrant splicing (PMID: 17576681, 9536098). Algorithms developed to predict the effect of sequence changes on RNA splicing suggest that this variant may disrupt the consensus splice site. In summary, the available evidence is currently insufficient to determine the role of this variant in disease. Therefore, it has been classified as a Variant of Uncertain Significance.

Literature cited by the submitters: PubMed 17576681; PubMed 9536098.

NM_006531.5(IFT88):c.489+4A>C

Gene: IFT88 (intraflagellar transport 88; plus strand). Cytogenetic location: 13q12.11.
Variant type: single nucleotide variant.
Coding change: c.489+4A>C on transcript NM_006531.5 (MANE Select); 4 bases into the intron after coding-DNA position 489, A replaced by C.
Molecular consequence: intron variant.
Genome position (GRCh38, 1-based): chr13:20,596,244, A>C. VCF-style: chr13-20596244-A-C. GRCh37 (hg19) VCF-style: chr13-21170383-A-C.
Other names: c.516+4A>C (NM_001318493.2, NM_175605.5, NM_001353570.2 and 6 more transcripts); c.489+4A>C (NM_001353568.2, NM_001353572.2, NM_001353571.2 and 1 more transcripts); c.-145+4A>C (NM_001353579.2); c.432+4A>C (NM_001353575.2, NM_001318491.2, NM_001353573.2 and 1 more transcripts).
Identifiers: ClinVar variation 2018531 (VCV002018531.4), dbSNP rs2548093192, ClinGen allele CA2575454614.
Genomic context (GRCh38, chr13:20,596,244, plus strand): 5'-GTAAATGAGTTGGTAGAAGAAAGCTGTATTGCCAATAGTTGTGGAGACTTAAAATTGGTA[A>C]GTTCATAAACAAGATTCAAAATTATGAAGCATTTATAGATGTATGTCTGCTTTTATACAT-3'